The following is an entry in ClinVar:

ClinVar aggregate classification (germline): Uncertain significance (1 of 4 stars; one submission).

Conditions:
Inborn genetic diseases. Identifiers: MedGen C0950123, MeSH D030342.

gnomAD v4.1: 1 of 1,551,372 alleles (0.000064%); highest among the groups gnomAD compares: Non-Finnish European, 0.000087%; no homozygotes.

Submission:

Ambry Genetics
Classification: Uncertain significance for Inborn genetic diseases. Last evaluated: 2025-05-09. Review status: criteria provided, single submitter. Criteria: Ambry Variant Classification Scheme 2023. Collection method: clinical testing. Allele origin: germline.
Comment: The p.H1327P variant (also known as c.3980A>C), located in coding exon 40 of the FANCA gene, results from an A to C substitution at nucleotide position 3980. The histidine at codon 1327 is replaced by proline, an amino acid with similar properties. This amino acid position is conserved. In addition, the in silico prediction for this alteration is inconclusive. Based on the available evidence, the clinical significance of this variant remains unclear.

NM_000135.4(FANCA):c.3980A>C (p.His1327Pro)

Genes: FANCA (FA complementation group A; minus strand), ZNF276 (zinc finger protein 276; plus strand). Cytogenetic location: 16q24.3.
Variant type: single nucleotide variant.
Coding change: c.3980A>C on transcript NM_000135.4 (MANE Select); coding-DNA position 3980, A replaced by C.
Protein change: p.His1327Pro; replaces histidine 1327 with proline.
Molecular consequence: missense variant. On other transcripts: 3 prime UTR variant (2), non-coding transcript variant (4).
Genome position (GRCh38, 1-based): chr16:89,739,508, T>G on the plus strand (A>C on the coding strand, the complement: FANCA is on the minus strand). VCF-style: chr16-89739508-T-G. GRCh37 (hg19) VCF-style: chr16-89805916-T-G.
Other names: c.3980A>C, p.His1327Pro (NM_001286167.3); c.*1262T>G (NM_001113525.2, NM_152287.4); short protein forms H1327P.
Identifiers: ClinVar variation 4022250 (VCV004022250.1).
Genomic context (GRCh38, chr16:89,739,508, plus strand): 5'-AGCCCTGACCAGCCCTGTGGGTGGAGGTACCTGTAAAAAGCGAAAGGCAGCAGCCTGGTG[T>G]GCTGATCCGGGGCCACACGGAGGAGGAGCCGCCCCAGCCTGAGGTCTGCAACACCAAGAA-3'
Protein context (NP_000126.2, residues 1317-1337): RLLLRVAPDQ[His1327Pro]TRLLPFAFYS